The following is an entry in ClinVar:

NM_016284.5(CNOT1):c.4237A>T (p.Ile1413Phe)

Gene: CNOT1 (CCR4-NOT transcription complex subunit 1; minus strand). Cytogenetic location: 16q21.
Variant type: single nucleotide variant.
Coding change: c.4237A>T on transcript NM_016284.5 (MANE Select); coding-DNA position 4237, A replaced by T.
Protein change: p.Ile1413Phe; replaces isoleucine 1413 with phenylalanine.
Molecular consequence: missense variant. On other transcripts: non-coding transcript variant (1).
Genome position (GRCh38, 1-based): chr16:58,543,804, T>A on the plus strand (A>T on the coding strand, the complement: CNOT1 is on the minus strand). VCF-style: chr16-58543804-T-A. GRCh37 (hg19) VCF-style: chr16-58577708-T-A.
Other names: c.4222A>T, p.Ile1408Phe (NM_001265612.2); c.4237A>T, p.Ile1413Phe (NM_206999.3); short protein forms I1413F, I1408F.
Identifiers: ClinVar variation 4056005 (VCV004056005.1).

ClinVar aggregate classification (germline): Uncertain significance (1 of 4 stars; one submission).

Submission:

GeneDx
Classification: Uncertain significance. Last evaluated: 2025-01-03. Review status: criteria provided, single submitter. Criteria: GeneDx Variant Classification Process June 2021. Collection method: clinical testing. Allele origin: germline. Affected: yes.
Comment: Not observed at significant frequency in large population cohorts (gnomAD); In silico analysis supports that this missense variant has a deleterious effect on protein structure/function; Has not been previously published as pathogenic or benign to our knowledge